The following is an entry in ClinVar:

ClinVar aggregate classification (germline): Likely benign (1 of 4 stars; one submission).

gnomAD v4.1: 91 of 1,231,276 alleles (0.0074%); highest among the groups gnomAD compares: African/African-American, 0.02%; no homozygotes.

Submission:

CeGaT Center for Human Genetics Tuebingen
Classification: Likely benign. Last evaluated: 2025-02-01. Review status: criteria provided, single submitter. Criteria: CeGaT Center For Human Genetics Tuebingen Variant Classification Criteria Version 2. Collection method: clinical testing. Allele origin: germline. Affected: yes. Observed: 1 variant allele.
Comment: FBRSL1: BP4, BP7

NM_001382741.1(FBRSL1):c.1665G>A (p.Ser555=)

Gene: FBRSL1 (fibrosin like 1; plus strand). Cytogenetic location: 12q24.33.
Variant type: single nucleotide variant.
Coding change: c.1665G>A on transcript NM_001382741.1 (MANE Plus Clinical); coding-DNA position 1665, G replaced by A.
Protein change: p.Ser555=; no amino-acid change (serine 555 retained).
Molecular consequence: synonymous variant. On other transcripts: non-coding transcript variant (1), intron variant (5).
Genome position (GRCh38, 1-based): chr12:132,510,341, G>A. VCF-style: chr12-132510341-G-A. GRCh37 (hg19) VCF-style: chr12-133086927-G-A.
Other names: c.1368G>A, p.Ser456= (NM_001382742.1); c.489+1991G>A (NM_001367871.1, NM_001382739.1, NM_001142641.2 and 2 more transcripts).
Identifiers: ClinVar variation 3771387 (VCV003771387.13).
Genomic context (GRCh38, chr12:132,510,341, plus strand): 5'-CCTGTGCCAGCCGCGGCGGTCCCTATTGGATCTGGTGCCGGCCCGTCAGCCCCGGCTCTC[G>A]CTCCTGGCCCTGGGCCATCCCTGCCGGCCCCTGCGGTCCCGGTGGACCCGATCCTGTGCC-3'
Protein context (NP_001369670.1, residues 545-565): DLVPARQPRL[Ser555=]LLALGHPCRP